The following is an entry in ClinVar:

NM_001144967.3(NEDD4L):c.297+3917G>C

Gene: NEDD4L (NEDD4 like E3 ubiquitin protein ligase; plus strand). Cytogenetic location: 18q21.31.
Variant type: single nucleotide variant.
Coding change: c.297+3917G>C on transcript NM_001144967.3 (MANE Select); 3917 bases into the intron after coding-DNA position 297, G replaced by C.
Molecular consequence: intron variant.
Genome position (GRCh38, 1-based): chr18:58,255,971, G>C. VCF-style: chr18-58255971-G-C. GRCh37 (hg19) VCF-style: chr18-55923203-G-C.
Other names: c.297+3917G>C (NM_015277.6, NM_001243960.2); c.-67+3917G>C (NM_001144964.1, NM_001144971.2, NM_001144965.2 and 2 more transcripts); c.273+3917G>C (NM_001144968.2, NM_001144969.2).
Identifiers: ClinVar variation 2648760 (VCV002648760.24), dbSNP rs555471650, ClinGen allele CA301418929.

ClinVar aggregate classification (germline): Benign (1 of 4 stars; one submission).

Allele frequency attached by ClinVar (database versions not stated): 1000 Genomes Project 0.00020; gnomAD 0.00023; 1000 Genomes Project 30x 0.00062.
gnomAD v4.1: 145 of 1,230,844 alleles (0.012%); highest among the groups gnomAD compares: East Asian, 0.44%; no homozygotes.

Submission:

CeGaT Center for Human Genetics Tuebingen
Classification: Benign. Last evaluated: 2022-10-01. Review status: criteria provided, single submitter. Criteria: CeGaT Center For Human Genetics Tuebingen Variant Classification Criteria Version 2. Collection method: clinical testing. Allele origin: germline. Affected: yes. Observed: 1 variant allele.
Comment: NEDD4L: BS1, BS2